The following is an entry in ClinVar:

ClinVar aggregate classification (germline): Benign/Likely benign. Review status: criteria provided, multiple submitters, no conflicts (2 of 4 stars). 9 submissions from 9 submitters: Benign (3); Likely benign (3). 3 of the submissions do not count toward it. Last evaluated 2026-07-01.

Conditions:
Mucopolysaccharidosis, MPS-IV-A (MPS4A). Also called: Morquio syndrome A, mild; MORQUIO SYNDROME A; Mucopolysaccharidosis type IV A; MPS IVA; MORQUIO A DISEASE; mucopolysaccharidosis type 4A. Identifiers: Orphanet 309297, Orphanet 582, MedGen C0086651, MONDO:0009659, OMIM 253000.

Allele frequency attached by ClinVar (database versions not stated): 1000 Genomes Project 0.00240; 1000 Genomes Project 30x 0.00265; TOPMed 0.00333; ESP Exome Variant Server 0.00500; gnomAD 0.00707.
gnomAD v4.1: 6,747 of 1,613,664 alleles (0.42%); highest among the groups gnomAD compares: Middle Eastern, 0.63%; 31 homozygotes.

Submissions (9):

CeGaT Center for Human Genetics Tuebingen
Classification: Likely benign. Last evaluated: 2026-07-01. Review status: criteria provided, single submitter. Criteria: CeGaT Center For Human Genetics Tuebingen Variant Classification Criteria Version 2. Collection method: clinical testing. Allele origin: germline. Affected: yes. Observed: 9 variant alleles.
Comment: GALNS: BP4, BS2

Labcorp Genetics (formerly Invitae), Labcorp
Classification: Benign for Mucopolysaccharidosis, MPS-IV-A. Last evaluated: 2026-02-01. Review status: criteria provided, single submitter. Criteria: Invitae Variant Classification Sherloc (09022015). Collection method: clinical testing. Allele origin: germline.

Genome-Nilou Lab
Classification: Benign for Mucopolysaccharidosis, MPS-IV-A. Last evaluated: 2021-11-07. Review status: criteria provided, single submitter. Criteria: ACMG Guidelines, 2015. Collection method: clinical testing. Allele origin: germline. Affected: no.

Illumina Laboratory Services, Illumina
Classification: Likely benign for Mucopolysaccharidosis, MPS-IV-A. Last evaluated: 2018-01-13. Review status: criteria provided, single submitter. Criteria: ICSL Variant Classification Criteria 13 December 2019. Collection method: clinical testing. Allele origin: germline.
Comment: This variant was observed in the ICSL laboratory as part of a predisposition screen in an ostensibly healthy population. It had not been previously curated by ICSL or reported in the Human Gene Mutation Database (HGMD: prior to June 1st, 2018), and was therefore a candidate for classification through an automated scoring system. Utilizing variant allele frequency, disease prevalence and penetrance estimates, and inheritance mode, an automated score was calculated to assess if this variant is too frequent to cause the disease. Based on the score and internal cut-off values, a variant classified as likely benign is not then subjected to further curation. The score for this variant resulted in a classification of likely benign for this disease.

Eurofins Ntd Llc (ga)
Classification: Benign. Last evaluated: 2016-05-20. Review status: criteria provided, single submitter. Criteria: EGL Classification Definitions 2015. Collection method: clinical testing. Allele origin: germline. Observed: 1 variant allele, 1 heterozygote.

Breakthrough Genomics
Classification: Likely benign. Review status: criteria provided, single submitter. Criteria: ACMG Guidelines, 2015. Collection method: not provided. Allele origin: germline. Inheritance: Autosomal recessive inheritance. Affected: yes.

Mayo Clinic Laboratories, Mayo Clinic
Classification: Likely benign. Last evaluated: 2017-06-07. Review status: no assertion criteria provided. Collection method: clinical testing. Allele origin: unknown. Not counted in ClinVar's aggregate classification.

Clinical Genetics DNA and cytogenetics Diagnostics Lab, Erasmus MC, Erasmus Medical Center
Classification: Likely benign. Review status: no assertion criteria provided. Collection method: clinical testing. Allele origin: germline. Affected: yes. Study: VKGL Data-share Consensus. Not counted in ClinVar's aggregate classification.

Diagnostic Laboratory, Department of Genetics, University Medical Center Groningen
Classification: Likely benign. Review status: no assertion criteria provided. Collection method: clinical testing. Allele origin: germline. Affected: yes. Study: VKGL Data-share Consensus. Not counted in ClinVar's aggregate classification.

NM_000512.5(GALNS):c.775C>A (p.Arg259=)

Gene: GALNS (galactosamine (N-acetyl)-6-sulfatase; minus strand). Cytogenetic location: 16q24.3.
Variant type: single nucleotide variant.
Coding change: c.775C>A on transcript NM_000512.5 (MANE Select); coding-DNA position 775, C replaced by A.
Protein change: p.Arg259=; no amino-acid change (arginine 259 retained).
Molecular consequence: synonymous variant.
Genome position (GRCh38, 1-based): chr16:88,835,336, G>T on the plus strand (C>A on the coding strand, the complement: GALNS is on the minus strand). VCF-style: chr16-88835336-G-T. GRCh37 (hg19) VCF-style: chr16-88901744-G-T.
Other names: c.220C>A, p.Arg74= (NM_001323543.2); c.793C>A, p.Arg265= (NM_001323544.2).
Identifiers: ClinVar variation 288253 (VCV000288253.51), dbSNP rs61742258, ClinGen allele CA8234974.